The following is an entry in ClinVar:

ClinVar aggregate classification (germline): Pathogenic (1 of 4 stars; one submission).

Conditions:
Rod-cone dystrophy. Identifiers: MedGen C4551714, HP:0000510.

Submission:

Ocular Genomics Institute, Massachusetts Eye and Ear
Classification: Pathogenic for Rod-cone dystrophy. Last evaluated: 2021-04-08. Review status: criteria provided, single submitter. Criteria: ACMG Guidelines, 2015. Collection method: research. Allele origin: germline. Affected: yes.
Comment: Through a review of available evidence we were able to apply the following criteria: PVS1, PM2, PP1, PS3. Based on this evidence we have classified this variant as Pathogenic.

Literature cited by the submitters: PubMed 25480986; PubMed 24355708; PubMed 20603202; PubMed 18313024; PubMed 8053762; PubMed 3963113.

NM_001166114.2(PNPLA6):c.3202_3205dup (p.Ile1069fs)

Gene: PNPLA6 (patatin like domain 6, lysophospholipase; plus strand). Cytogenetic location: 19p13.2.
Variant type: Duplication.
Coding change: c.3202_3205dup on transcript NM_001166114.2 (MANE Select); coding-DNA positions 3202 to 3205, 4 bases duplicated (CAGA; older notation c.3202_3205dupCAGA).
Protein change: p.Ile1069fs; shifts the reading frame from isoleucine 1069.
Molecular consequence: frameshift variant.
Genome position (GRCh38, 1-based): chr19:7,556,561-7,556,564, CAGA duplicated. VCF-style (leftmost placement, unchanged base first): chr19-7556560-G-GCAGA. GRCh37 (hg19) VCF-style: chr19-7621446-G-GCAGA.
Other names: c.3232_3235dup, p.Ile1079fs (NM_001166111.2); c.3007_3010dup, p.Ile1004fs (NM_001166112.2); c.3088_3091dup, p.Ile1031fs (NM_001166113.1, NM_006702.5); short protein forms I1004fs, I1031fs, I1069fs, I1079fs.
Identifiers: ClinVar variation 1065657 (VCV001065657.1), dbSNP rs2146108245, ClinGen allele CA2499225641.